The following is an entry in ClinVar:

NM_000214.3(JAG1):c.53T>A (p.Leu18His)

Gene: JAG1 (jagged canonical Notch ligand 1; minus strand). Cytogenetic location: 20p12.2.
Variant type: single nucleotide variant.
Coding change: c.53T>A on transcript NM_000214.3 (MANE Select); coding-DNA position 53, T replaced by A.
Protein change: p.Leu18His; replaces leucine 18 with histidine.
Molecular consequence: missense variant.
Genome position (GRCh38, 1-based): chr20:10,673,478, A>T on the plus strand (T>A on the coding strand, the complement: JAG1 is on the minus strand). VCF-style: chr20-10673478-A-T. GRCh37 (hg19) VCF-style: chr20-10654126-A-T.
Other names: short protein forms L18H.
Identifiers: ClinVar variation 3573072 (VCV003573072.2).

Conditions:
Arteriohepatic dysplasia. Also called: Alagille Syndrome. Identifiers: Orphanet 52, MedGen C0085280, MeSH D016738, MONDO:0007318.

Submission:

Gilbert/Spinner Lab, Children's Hospital of Philadelphia
No classification provided (evidence only). Condition: Alagille syndrome. Review status: no classification provided. Collection method: research. Allele origin: not applicable. Functional consequence: functionally_abnormal.
ClinVar note: "not provided" was previously submitted as the classification for the variant. However, the classification appeared to be based only on an observation of functional data so it was converted to no classification on 2025-07-30.